The following is an entry in ClinVar:

ClinVar aggregate classification (germline): Uncertain significance. Review status: criteria provided, multiple submitters, no conflicts (2 of 4 stars). 3 submissions from 3 submitters: Uncertain significance (3). Last evaluated 2024-12-13.

Conditions:
Frasier syndrome. Identifiers: Orphanet 347, MedGen C0950122, MeSH D052159, MONDO:0007635, OMIM 136680.
Drash syndrome (DDS). Also called: NEPHROPATHY, WILMS TUMOR, AND GENITAL ANOMALIES; WILMS TUMOR AND PSEUDO- OR TRUE HERMAPHRODITISM. Identifiers: Orphanet 220, MedGen C0950121, MONDO:0008682, OMIM 194080.
Wilms tumor 1 (WT1). Also called: Wilms tumor, somatic. Identifiers: Orphanet 654, MedGen CN033288, MONDO:0008679, OMIM 194070.
11p partial monosomy syndrome (WAGR). Also called: WAGR syndrome; WAGR Complex; CHROMOSOME 11p13 DELETION SYNDROME; WAGR Spectrum Disorder. Identifiers: Orphanet 893, MedGen C0206115, MONDO:0008681, OMIM 194072.
Inborn genetic diseases. Identifiers: MedGen C0950123, MeSH D030342.

Allele frequency attached by ClinVar (database versions not stated): gnomAD exomes below 0.00001; TOPMed below 0.00001.
gnomAD v4.1: 3 of 1,504,254 alleles (0.0002%); highest among the groups gnomAD compares: Non-Finnish European, 0.00026%; no homozygotes.

Submissions (3):

Ambry Genetics
Classification: Uncertain significance for Inborn genetic diseases. Last evaluated: 2024-12-13. Review status: criteria provided, single submitter. Criteria: Ambry Variant Classification Scheme 2023. Collection method: clinical testing. Allele origin: germline.
Comment: The p.P84L variant (also known as c.251C>T), located in coding exon 1 of the WT1 gene, results from a C to T substitution at nucleotide position 251. The proline at codon 84 is replaced by leucine, an amino acid with similar properties. This amino acid position is conserved. In addition, this alteration is predicted to be tolerated by in silico analysis. Based on the available evidence, the clinical significance of this variant remains unclear.

Labcorp Genetics (formerly Invitae), Labcorp
Classification: Uncertain significance for Wilms tumor 1; Drash syndrome; 11p partial monosomy syndrome; Frasier syndrome. Last evaluated: 2023-06-16. Review status: criteria provided, single submitter. Criteria: Invitae Variant Classification Sherloc (09022015). Collection method: clinical testing. Allele origin: germline.
Comment: In summary, the available evidence is currently insufficient to determine the role of this variant in disease. Therefore, it has been classified as a Variant of Uncertain Significance. This sequence change replaces proline, which is neutral and non-polar, with leucine, which is neutral and non-polar, at codon 84 of the WT1 protein (p.Pro84Leu). This variant is not present in population databases (gnomAD no frequency). This variant has not been reported in the literature in individuals affected with WT1-related conditions. An algorithm developed to predict the effect of missense changes on protein structure and function (PolyPhen-2) suggests that this variant is likely to be tolerated.

All of Us Research Program, National Institutes of Health
Classification: Uncertain significance for Wilms tumor 1. Last evaluated: 2023-06-08. Review status: criteria provided, single submitter. Criteria: ACMG Guidelines, 2015. Collection method: clinical testing. Allele origin: germline. Inheritance: Autosomal dominant inheritance. Observed: 1 variant allele, 1 heterozygote.
Comment: This missense variant replaces proline with leucine at codon 84 of the WT1 protein. Computational prediction suggests that this variant may not impact protein structure and function (internally defined REVEL score threshold <= 0.5, PMID: 27666373). To our knowledge, functional studies have not been reported for this variant. This variant has not been reported in individuals affected with WT1-related disorders in the literature. This variant has not been identified in the general population by the Genome Aggregation Database (gnomAD). The available evidence is insufficient to determine the role of this variant in disease conclusively. Therefore, this variant is classified as a Variant of Uncertain Significance.

This study involves interpretation of variants in research participants for the purpose of population health screening. Participant phenotype was not available at the time of variant classification. Additional details can be found in publication PMID: 35346344, PMCID: PMC8962531

NM_024426.6(WT1):c.266C>T (p.Pro89Leu)

Genes: WT1 (WT1 transcription factor; minus strand), LOC107982234 (WT1/WT1-AS bi-directional promoter region; plus strand). Cytogenetic location: 11p13.
Variant type: single nucleotide variant.
Coding change: c.266C>T on transcript NM_024426.6 (MANE Select); coding-DNA position 266, C replaced by T.
Protein change: p.Pro89Leu; replaces proline 89 with leucine.
Molecular consequence: missense variant. On other transcripts: non-coding transcript variant (2).
Genome position (GRCh38, 1-based): chr11:32,435,095, G>A on the plus strand (C>T on the coding strand, the complement: WT1 is on the minus strand). VCF-style: chr11-32435095-G-A. GRCh37 (hg19) VCF-style: chr11-32456641-G-A.
Other names: c.266C>T, p.Pro89Leu (NM_000378.6, NM_001407044.1, NM_001407045.1 and 6 more transcripts); c.251C>T, p.Pro84Leu (NM_024425.2); c.251C>T (NM_024426.4); short protein forms P84L, P89L.
Identifiers: ClinVar variation 2928187 (VCV002928187.5), dbSNP rs1853465019, ClinGen allele CA379966038.